The following is an entry in ClinVar:

NM_000368.5(TSC1):c.1681A>C (p.Ser561Arg)

Gene: TSC1 (TSC complex subunit 1; minus strand). Cytogenetic location: 9q34.13.
Variant type: single nucleotide variant.
Coding change: c.1681A>C on transcript NM_000368.5 (MANE Select); coding-DNA position 1681, A replaced by C.
Protein change: p.Ser561Arg; replaces serine 561 with arginine.
Molecular consequence: missense variant.
Genome position (GRCh38, 1-based): chr9:132,905,897, T>G on the plus strand (A>C on the coding strand, the complement: TSC1 is on the minus strand). VCF-style: chr9-132905897-T-G. GRCh37 (hg19) VCF-style: chr9-135781284-T-G.
Other names: c.1678A>C, p.Ser560Arg (NM_001162426.2); c.1528A>C, p.Ser510Arg (NM_001162427.2); c.1318A>C, p.Ser440Arg (NM_001362177.2); short protein forms S440R, S561R, S510R, S560R.
Identifiers: ClinVar variation 959448 (VCV000959448.9), dbSNP rs1845635382, ClinGen allele CA375364253.

ClinVar aggregate classification (germline): Uncertain significance (1 of 4 stars; one submission).

Conditions:
Tuberous sclerosis 1 (TSC1). Identifiers: Orphanet 805, MedGen C1854465, MONDO:0008612, OMIM 191100.

Submission:

Labcorp Genetics (formerly Invitae), Labcorp
Classification: Uncertain significance for Tuberous sclerosis 1. Last evaluated: 2024-02-20. Review status: criteria provided, single submitter. Criteria: Invitae Variant Classification Sherloc (09022015). Collection method: clinical testing. Allele origin: germline.
Comment: This sequence change replaces serine, which is neutral and polar, with arginine, which is basic and polar, at codon 561 of the TSC1 protein (p.Ser561Arg). This variant is not present in population databases (gnomAD no frequency). This variant has not been reported in the literature in individuals affected with TSC1-related conditions. ClinVar contains an entry for this variant (Variation ID: 959448). Advanced modeling of protein sequence and biophysical properties (such as structural, functional, and spatial information, amino acid conservation, physicochemical variation, residue mobility, and thermodynamic stability) performed at Invitae indicates that this missense variant is not expected to disrupt TSC1 protein function with a negative predictive value of 95%. In summary, the available evidence is currently insufficient to determine the role of this variant in disease. Therefore, it has been classified as a Variant of Uncertain Significance.